The following is an entry in ClinVar:

ClinVar aggregate classification (germline): Uncertain significance (1 of 4 stars; one submission).

Conditions:
Hereditary cancer-predisposing syndrome. Also called: Neoplastic Syndromes, Hereditary; Tumor predisposition; Hereditary neoplastic syndrome; Hereditary Cancer Syndrome. Identifiers: Orphanet 140162, MedGen C0027672, MeSH D009386, MONDO:0015356.
Cardiovascular phenotype. Identifiers: MedGen CN230736.

Submission:

Ambry Genetics
Classification: Uncertain significance for Cardiovascular phenotype; Hereditary cancer-predisposing syndrome. Last evaluated: 2023-05-03. Review status: criteria provided, single submitter. Criteria: Ambry Variant Classification Scheme 2023. Collection method: clinical testing. Allele origin: germline.
Comment: The p.A1707T variant (also known as c.5119G>A), located in coding exon 36 of the NF1 gene, results from a G to A substitution at nucleotide position 5119. The alanine at codon 1707 is replaced by threonine, an amino acid with similar properties. This amino acid position is highly conserved in available vertebrate species. In addition, this alteration is predicted to be tolerated by in silico analysis. Since supporting evidence is limited at this time, the clinical significance of this alteration remains unclear.

NM_001042492.3(NF1):c.5182G>A (p.Ala1728Thr)

Gene: NF1 (neurofibromin 1; plus strand). Cytogenetic location: 17q11.2.
Variant type: single nucleotide variant.
Coding change: c.5182G>A on transcript NM_001042492.3 (MANE Select); coding-DNA position 5182, G replaced by A.
Protein change: p.Ala1728Thr; replaces alanine 1728 with threonine.
Molecular consequence: missense variant.
Genome position (GRCh38, 1-based): chr17:31,326,166, G>A. VCF-style: chr17-31326166-G-A. GRCh37 (hg19) VCF-style: chr17-29653184-G-A.
Other names: c.5119G>A, p.Ala1707Thr (NM_000267.4); short protein forms A1707T, A1728T.
Identifiers: ClinVar variation 3237817 (VCV003237817.1), dbSNP rs2151538817.